The following is an entry in ClinVar:

NM_005235.3(ERBB4):c.3200G>A (p.Arg1067Gln)

Gene: ERBB4 (erb-b2 receptor tyrosine kinase 4; minus strand). Cytogenetic location: 2q34.
Variant type: single nucleotide variant.
Coding change: c.3200G>A on transcript NM_005235.3 (MANE Select); coding-DNA position 3200, G replaced by A.
Protein change: p.Arg1067Gln; replaces arginine 1067 with glutamine.
Molecular consequence: missense variant.
Genome position (GRCh38, 1-based): chr2:211,387,134, C>T on the plus strand (G>A on the coding strand, the complement: ERBB4 is on the minus strand). VCF-style: chr2-211387134-C-T. GRCh37 (hg19) VCF-style: chr2-212251859-C-T.
Other names: c.3152G>A, p.Arg1051Gln (NM_001042599.2); short protein forms R1067Q, R1051Q.
Identifiers: ClinVar variation 3718674 (VCV003718674.2).
Genomic context (GRCh38, chr2:211,387,134, plus strand): 5'-GTGCTAGTTGGGGCTCTGTAGGGCACAGACACTCCTTGTTCAGCAGCAAAACCTCCATCT[C>T]GGTATACAAACTGGTTCTGTTAATAAGAGAAACATATGTGGAGAGAAGGCGTTGTTAGAA-3'
Protein context (NP_005226.1, residues 1057-1077): TPMSGNQFVY[Arg1067Gln]DGGFAAEQGV

ClinVar aggregate classification (germline): Uncertain significance (1 of 4 stars; one submission).

gnomAD v4.1: 141 of 1,613,444 alleles (0.0087%); highest among the groups gnomAD compares: African/African-American, 0.023%; no homozygotes.

Submission:

Labcorp Genetics (formerly Invitae), Labcorp
Classification: Uncertain significance. Last evaluated: 2024-04-20. Review status: criteria provided, single submitter. Criteria: Invitae Variant Classification Sherloc (09022015). Collection method: clinical testing. Allele origin: germline.
Comment: This sequence change replaces arginine, which is basic and polar, with glutamine, which is neutral and polar, at codon 1067 of the ERBB4 protein (p.Arg1067Gln). This variant is present in population databases (rs147514533, gnomAD 0.02%). This variant has not been reported in the literature in individuals affected with ERBB4-related conditions. Algorithms developed to predict the effect of missense changes on protein structure and function output the following: SIFT: "Not Available"; PolyPhen-2: "Benign"; Align-GVGD: "Not Available". The glutamine amino acid residue is found in multiple mammalian species, which suggests that this missense change does not adversely affect protein function. In summary, the available evidence is currently insufficient to determine the role of this variant in disease. Therefore, it has been classified as a Variant of Uncertain Significance.